The following is an entry in ClinVar:

NM_000548.5(TSC2):c.1945A>T (p.Met649Leu)

Gene: TSC2 (TSC complex subunit 2; plus strand). Cytogenetic location: 16p13.3.
Variant type: single nucleotide variant.
Coding change: c.1945A>T on transcript NM_000548.5 (MANE Select); coding-DNA position 1945, A replaced by T.
Protein change: p.Met649Leu; replaces methionine 649 with leucine.
Molecular consequence: missense variant.
Genome position (GRCh38, 1-based): chr16:2,071,615, A>T. VCF-style: chr16-2071615-A-T. GRCh37 (hg19) VCF-style: chr16-2121616-A-T.
Other names: c.1945A>T, p.Met649Leu (NM_001077183.3, NM_001114382.3, NM_001363528.2 and 3 more transcripts); c.1834A>T, p.Met612Leu (NM_001318827.2); c.1798A>T, p.Met600Leu (NM_001318829.2); c.1345A>T, p.Met449Leu (NM_001318831.2); c.1978A>T, p.Met660Leu (NM_001318832.2); short protein forms M600L, M449L, M612L, M649L, M660L.
Identifiers: ClinVar variation 855784 (VCV000855784.17), dbSNP rs762331610, ClinGen allele CA394273414.

ClinVar aggregate classification (germline): Uncertain significance. Review status: criteria provided, multiple submitters, no conflicts (2 of 4 stars). 2 submissions from 2 submitters: Uncertain significance (2). Last evaluated 2025-09-03.

Conditions:
Hereditary cancer-predisposing syndrome. Also called: Hereditary neoplastic syndrome; Tumor predisposition; Neoplastic Syndromes, Hereditary; Hereditary Cancer Syndrome. Identifiers: Orphanet 140162, MedGen C0027672, MeSH D009386, MONDO:0015356.
Tuberous sclerosis 2 (TSC2). Identifiers: Orphanet 805, MedGen C1860707, MONDO:0013199, OMIM 613254.

gnomAD v4.1: 4 of 1,613,326 alleles (0.00025%); highest among the groups gnomAD compares: Non-Finnish European, 0.00025%; no homozygotes.

Submissions (2):

Labcorp Genetics (formerly Invitae), Labcorp
Classification: Uncertain significance for Tuberous sclerosis 2. Last evaluated: 2025-09-03. Review status: criteria provided, single submitter. Criteria: Invitae Variant Classification Sherloc (09022015). Collection method: clinical testing. Allele origin: germline.
Comment: This sequence change replaces methionine, which is neutral and non-polar, with leucine, which is neutral and non-polar, at codon 649 of the TSC2 protein (p.Met649Leu). This variant is present in population databases (no rsID available, gnomAD 0.0009%). This variant has not been reported in the literature in individuals affected with TSC2-related conditions. ClinVar contains an entry for this variant (Variation ID: 855784). An algorithm developed to predict the effect of missense changes on protein structure and function outputs the following: PolyPhen-2: "Benign". The leucine amino acid residue is found in multiple mammalian species, which suggests that this missense change does not adversely affect protein function. In summary, the available evidence is currently insufficient to determine the role of this variant in disease. Therefore, it has been classified as a Variant of Uncertain Significance.

Ambry Genetics
Classification: Uncertain significance for Hereditary cancer-predisposing syndrome. Last evaluated: 2024-05-23. Review status: criteria provided, single submitter. Criteria: Ambry Variant Classification Scheme 2023. Collection method: clinical testing. Allele origin: germline.
Comment: The p.M649L variant (also known as c.1945A>T), located in coding exon 17 of the TSC2 gene, results from an A to T substitution at nucleotide position 1945. The methionine at codon 649 is replaced by leucine, an amino acid with highly similar properties. This amino acid position is poorly conserved in available vertebrate species. In addition, this alteration is predicted to be tolerated by in silico analysis. Since supporting evidence is limited at this time, the clinical significance of this alteration remains unclear.